The following is an entry in ClinVar:

ClinVar aggregate classification (germline): Uncertain significance (1 of 4 stars; one submission).

Allele frequency attached by ClinVar (database versions not stated): gnomAD 0.00001 and 0.00002; ExAC 0.00003; gnomAD exomes 0.00005; 1000 Genomes Project 0.00020; 1000 Genomes Project 30x 0.00031.
gnomAD v4.1: 19 of 1,614,184 alleles (0.0012%); highest among the groups gnomAD compares: Admixed American, 0.018%; no homozygotes.

Submission:

Labcorp Genetics (formerly Invitae), Labcorp
Classification: Uncertain significance. Last evaluated: 2025-11-06. Review status: criteria provided, single submitter. Criteria: Invitae Variant Classification Sherloc (09022015). Collection method: clinical testing. Allele origin: germline.
Comment: This sequence change replaces valine, which is neutral and non-polar, with methionine, which is neutral and non-polar, at codon 437 of the CFB protein (p.Val437Met). This variant is present in population databases (rs558604744, gnomAD 0.03%). This variant has not been reported in the literature in individuals affected with CFB-related conditions. ClinVar contains an entry for this variant (Variation ID: 1354021). Invitae Evidence Modeling of protein sequence and biophysical properties (such as structural, functional, and spatial information, amino acid conservation, physicochemical variation, residue mobility, and thermodynamic stability) indicates that this missense variant is not expected to disrupt CFB protein function with a negative predictive value of 80%. In summary, the available evidence is currently insufficient to determine the role of this variant in disease. Therefore, it has been classified as a Variant of Uncertain Significance.

NM_001710.6(CFB):c.1309G>A (p.Val437Met)

Gene: CFB (complement factor B; plus strand). Cytogenetic location: 6p21.33.
Variant type: single nucleotide variant.
Coding change: c.1309G>A on transcript NM_001710.6 (MANE Select); coding-DNA position 1309, G replaced by A.
Protein change: p.Val437Met; replaces valine 437 with methionine.
Molecular consequence: missense variant.
Genome position (GRCh38, 1-based): chr6:31,949,458, G>A. VCF-style: chr6-31949458-G-A. GRCh37 (hg19) VCF-style: chr6-31917235-G-A.
Other names: short protein forms V437M.
Identifiers: ClinVar variation 1354021 (VCV001354021.6), dbSNP rs558604744, ClinGen allele CA3728299.